The following is an entry in ClinVar:

NM_014000.3(VCL):c.1292T>G (p.Ile431Ser)

Gene: VCL (vinculin; plus strand). Cytogenetic location: 10q22.2.
Variant type: single nucleotide variant.
Coding change: c.1292T>G on transcript NM_014000.3 (MANE Select); coding-DNA position 1292, T replaced by G.
Protein change: p.Ile431Ser; replaces isoleucine 431 with serine.
Molecular consequence: missense variant.
Genome position (GRCh38, 1-based): chr10:74,090,138, T>G. VCF-style: chr10-74090138-T-G. GRCh37 (hg19) VCF-style: chr10-75849896-T-G.
Other names: c.1292T>G, p.Ile431Ser (NM_003373.4); short protein forms I431S.
Identifiers: ClinVar variation 202157 (VCV000202157.13), dbSNP rs766192312, ClinGen allele CA335625.

ClinVar aggregate classification (germline): Uncertain significance. Review status: criteria provided, multiple submitters, no conflicts (2 of 4 stars). 4 submissions from 4 submitters: Uncertain significance (4). Last evaluated 2025-08-01.

Conditions:
Cardiovascular phenotype. Identifiers: MedGen CN230736.
Dilated cardiomyopathy 1W (CMD1W). Identifiers: Orphanet 154, MedGen C1969639, MONDO:0012667, OMIM 611407.

Allele frequency attached by ClinVar (database versions not stated): ExAC 0.00001; gnomAD 0.00001 and 0.00002; gnomAD exomes 0.00001 and 0.00005; TOPMed 0.00003.
gnomAD v4.1: 71 of 1,614,068 alleles (0.0044%); highest among the groups gnomAD compares: Non-Finnish European, 0.0058%; no homozygotes.

Submissions (4):

Ambry Genetics
Classification: Uncertain significance for Cardiovascular phenotype. Last evaluated: 2025-08-01. Review status: criteria provided, single submitter. Criteria: Ambry Variant Classification Scheme 2023. Collection method: clinical testing. Allele origin: germline.

Women's Health and Genetics/Laboratory Corporation of America, LabCorp
Classification: Uncertain significance. Last evaluated: 2023-07-16. Review status: criteria provided, single submitter. Criteria: LabCorp Variant Classification Summary - May 2015. Collection method: clinical testing. Allele origin: germline.

Labcorp Genetics (formerly Invitae), Labcorp
Classification: Uncertain significance for Dilated cardiomyopathy 1W. Last evaluated: 2023-03-07. Review status: criteria provided, single submitter. Criteria: Invitae Variant Classification Sherloc (09022015). Collection method: clinical testing. Allele origin: germline.
Comment: In summary, the available evidence is currently insufficient to determine the role of this variant in disease. Therefore, it has been classified as a Variant of Uncertain Significance. An algorithm developed to predict the effect of missense changes on protein structure and function (PolyPhen-2) suggests that this variant¬† is likely to be tolerated. ClinVar contains an entry for this variant (Variation ID: 202157). This variant has not been reported in the literature in individuals affected with VCL-related conditions. This variant is present in population databases (rs766192312, gnomAD 0.003%). This sequence change replaces isoleucine, which is neutral and non-polar, with serine, which is neutral and polar, at codon 431 of the VCL protein (p.Ile431Ser).

GeneDx
Classification: Uncertain significance. Last evaluated: 2019-10-14. Review status: criteria provided, single submitter. Criteria: GeneDx Variant Classification Process June 2021. Collection method: clinical testing. Allele origin: germline. Affected: yes.
Comment: Has not been previously published as pathogenic or benign to our knowledge; Not observed at a significant frequency in large population cohorts (Lek et al., 2016); In silico analysis, which includes protein predictors and evolutionary conservation, supports a deleterious effect